The following is an entry in ClinVar:

NM_003244.4(TGIF1):c.16+1720_16+1721del

Gene: TGIF1 (TGFB induced factor homeobox 1; plus strand). Cytogenetic location: 18p11.31.
Variant type: Deletion.
Coding change: c.16+1720_16+1721del on transcript NM_003244.4 (MANE Select); bases 1720 to 1721 of the intron after coding-DNA position 16, 2 bases deleted (TC; older notation c.16+1720_16+1721delTC).
Molecular consequence: intron variant. On other transcripts: 5 prime UTR variant (1).
Genome position (GRCh38, 1-based): chr18:3,452,225-3,452,226, TC deleted; deleting any 2 consecutive bases within chr18:3,452,224-3,452,226 gives the same sequence; the c. name uses the placement nearest the transcript's 3' end. VCF-style (leftmost placement, unchanged base first): chr18-3452223-CCT-C. GRCh37 (hg19) VCF-style: chr18-3452221-CCT-C.
Other names: c.-202_-201del (NM_170695.5); c.-44-4129_-44-4128del (NM_174886.3, NM_001278686.3); c.59-4129_59-4128del (NM_173207.4); c.-45+3686_-45+3687del (NM_001374396.1); c.25+2569_25+2570del (NM_001278682.2); c.16+1720_16+1721del (NM_173208.3, NM_001278684.2); c.-45+2155_-45+2156del (NM_173209.3); c.-45+450_-45+451del (NM_173210.4); and 2 more.
Identifiers: ClinVar variation 2648528 (VCV002648528.27), dbSNP rs202189171, ClinGen allele CA8875791.

ClinVar aggregate classification (germline): Conflicting classifications of pathogenicity. Review status: criteria provided, conflicting classifications (1 of 4 stars). 4 submissions from 4 submitters: Uncertain significance (1); Likely benign (2). 1 of the submissions does not count toward it. Last evaluated 2025-11-01.

Conditions:
Holoprosencephaly 4 (HPE4). Identifiers: Orphanet 2162, MedGen C1840528, MONDO:0007734, OMIM 142946.
TGIF1-related disorder. Also called: TGIF1-related condition.

Submissions (4):

CeGaT Center for Human Genetics Tuebingen
Classification: Likely benign. Last evaluated: 2025-11-01. Review status: criteria provided, single submitter. Criteria: CeGaT Center For Human Genetics Tuebingen Variant Classification Criteria Version 2. Collection method: clinical testing. Allele origin: germline. Affected: yes. Observed: 7 variant alleles.
Comment: TGIF1: BS1

Blueprint Genetics
Classification: Likely benign. Last evaluated: 2024-10-28. Review status: criteria provided, single submitter. Criteria: ACMG Guidelines, 2015. Collection method: clinical testing. Allele origin: germline.

Department of Pathology and Laboratory Medicine, Sinai Health System
Classification: Uncertain significance for Holoprosencephaly 4. Last evaluated: 2022-05-17. Review status: criteria provided, single submitter. Criteria: ACMG Guidelines, 2015. Collection method: research. Allele origin: germline.

PreventionGenetics, part of Exact Sciences
Classification: Likely benign for TGIF1-related condition. Last evaluated: 2024-09-04. Review status: no assertion criteria provided. Collection method: clinical testing. Allele origin: germline. Not counted in ClinVar's aggregate classification.
Comment: This variant is classified as likely benign based on ACMG/AMP sequence variant interpretation guidelines (Richards et al. 2015 PMID: 25741868, with internal and published modifications).